The following is an entry in ClinVar:

ClinVar aggregate classification (germline): Uncertain significance (1 of 4 stars; one submission).

Submission:

Labcorp Genetics (formerly Invitae), Labcorp
Classification: Uncertain significance. Last evaluated: 2024-03-28. Review status: criteria provided, single submitter. Criteria: Invitae Variant Classification Sherloc (09022015). Collection method: clinical testing. Allele origin: germline.
Comment: This sequence change replaces phenylalanine, which is neutral and non-polar, with cysteine, which is neutral and slightly polar, at codon 86 of the POLE protein (p.Phe86Cys). This variant is not present in population databases (gnomAD no frequency). This variant has not been reported in the literature in individuals affected with POLE-related conditions. Advanced modeling of protein sequence and biophysical properties (such as structural, functional, and spatial information, amino acid conservation, physicochemical variation, residue mobility, and thermodynamic stability) performed at Invitae indicates that this missense variant is expected to disrupt POLE protein function with a positive predictive value of 80%. In summary, the available evidence is currently insufficient to determine the role of this variant in disease. Therefore, it has been classified as a Variant of Uncertain Significance.

NM_006231.4(POLE):c.257T>G (p.Phe86Cys)

Gene: POLE (DNA polymerase epsilon, catalytic subunit; minus strand). Cytogenetic location: 12q24.33.
Variant type: single nucleotide variant.
Coding change: c.257T>G on transcript NM_006231.4 (MANE Select); coding-DNA position 257, T replaced by G.
Protein change: p.Phe86Cys; replaces phenylalanine 86 with cysteine.
Molecular consequence: missense variant.
Genome position (GRCh38, 1-based): chr12:132,680,635, A>C on the plus strand (T>G on the coding strand, the complement: POLE is on the minus strand). VCF-style: chr12-132680635-A-C. GRCh37 (hg19) VCF-style: chr12-133257221-A-C.
Other names: short protein forms F86C.
Identifiers: ClinVar variation 3647979 (VCV003647979.2).
Genomic context (GRCh38, chr12:132,680,635, plus strand): 5'-TGGGTTTTAGCTTGTCGCAGTCAGGGGCTTACCTTAAATCTGCTTCCGTCATCTTGAATA[A>C]AGTAGTAATCCACTGCACTGCCTAAGCGCTTATCTTCATCTAAAATCTCGGTCTACAAGA-3'
Protein context (NP_006222.2, residues 76-96): KRLGSAVDYY[Phe86Cys]IQDDGSRFKV